The following is an entry in ClinVar:

ClinVar aggregate classification (germline): Uncertain significance (1 of 4 stars; one submission).

Conditions:
Oligodontia-cancer predisposition syndrome. Also called: TOOTH AGENESIS-COLORECTAL CANCER SYNDROME. Identifiers: Orphanet 300576, MedGen C1837750, MONDO:0012075, OMIM 608615. Disease mechanism: loss of function.

Submission:

Labcorp Genetics (formerly Invitae), Labcorp
Classification: Uncertain significance for Oligodontia-cancer predisposition syndrome. Last evaluated: 2024-03-02. Review status: criteria provided, single submitter. Criteria: Invitae Variant Classification Sherloc (09022015). Collection method: clinical testing. Allele origin: germline.
Comment: This sequence change replaces arginine, which is basic and polar, with methionine, which is neutral and non-polar, at codon 272 of the AXIN2 protein (p.Arg272Met). This variant also falls at the last nucleotide of exon 2, which is part of the consensus splice site for this exon. This variant is not present in population databases (gnomAD no frequency). This variant has not been reported in the literature in individuals affected with AXIN2-related conditions. An algorithm developed to predict the effect of missense changes on protein structure and function (PolyPhen-2) suggests that this variant is likely to be disruptive. Variants that disrupt the consensus splice site are a relatively common cause of aberrant splicing (PMID: 17576681, 9536098). In summary, the available evidence is currently insufficient to determine the role of this variant in disease. Therefore, it has been classified as a Variant of Uncertain Significance.

Literature cited by the submitters: PubMed 17576681; PubMed 9536098.

NM_004655.4(AXIN2):c.815G>T (p.Arg272Met)

Gene: AXIN2 (axin 2; minus strand). Cytogenetic location: 17q24.1.
Variant type: single nucleotide variant.
Coding change: c.815G>T on transcript NM_004655.4 (MANE Select); coding-DNA position 815, G replaced by T.
Protein change: p.Arg272Met; replaces arginine 272 with methionine.
Molecular consequence: missense variant.
Genome position (GRCh38, 1-based): chr17:65,557,806, C>A on the plus strand (G>T on the coding strand, the complement: AXIN2 is on the minus strand). VCF-style: chr17-65557806-C-A. GRCh37 (hg19) VCF-style: chr17-63553924-C-A.
Other names: c.815G>T, p.Arg272Met (NM_001363813.1); short protein forms R272M.
Identifiers: ClinVar variation 3688200 (VCV003688200.2).